The following is an entry in ClinVar:

NM_000038.6(APC):c.3058G>A (p.Glu1020Lys)

Gene: APC (APC regulator of Wnt signaling pathway; plus strand). Cytogenetic location: 5q22.2.
Variant type: single nucleotide variant.
Coding change: c.3058G>A on transcript NM_000038.6 (MANE Select); coding-DNA position 3058, G replaced by A.
Protein change: p.Glu1020Lys; replaces glutamic acid 1020 with lysine.
Molecular consequence: missense variant.
Genome position (GRCh38, 1-based): chr5:112,838,652, G>A. VCF-style: chr5-112838652-G-A. GRCh37 (hg19) VCF-style: chr5-112174349-G-A.
Other names: c.3058G>A, p.Glu1020Lys (NM_001354895.2, NM_001127510.3); c.3112G>A, p.Glu1038Lys (NM_001354896.2); c.3088G>A, p.Glu1030Lys (NM_001354897.2); c.2983G>A, p.Glu995Lys (NM_001354898.2); c.2974G>A, p.Glu992Lys (NM_001354899.2); c.2935G>A, p.Glu979Lys (NM_001354900.2); c.2881G>A, p.Glu961Lys (NM_001354901.2); c.2785G>A, p.Glu929Lys (NM_001354902.2); and 5 more; short protein forms E860K, E919K, E979K, E1030K, E737K, E929K, E1020K, E1038K.
Identifiers: ClinVar variation 862270 (VCV000862270.11), dbSNP rs1580630407, ClinGen allele CA16028029.

ClinVar aggregate classification (germline): Uncertain significance (1 of 4 stars; one submission).

Conditions:
Familial adenomatous polyposis 1 (FAP1). Also called: POLYPOSIS, ADENOMATOUS INTESTINAL; FAMILIAL ADENOMATOUS POLYPOSIS 1, ATTENUATED. Identifiers: MedGen C2713442, MONDO:0021056, OMIM 175100. Disease mechanism: loss of function.

Submission:

Labcorp Genetics (formerly Invitae), Labcorp
Classification: Uncertain significance for Familial adenomatous polyposis 1. Last evaluated: 2022-12-31. Review status: criteria provided, single submitter. Criteria: Invitae Variant Classification Sherloc (09022015). Collection method: clinical testing. Allele origin: germline.
Comment: In summary, the available evidence is currently insufficient to determine the role of this variant in disease. Therefore, it has been classified as a Variant of Uncertain Significance. Advanced modeling of protein sequence and biophysical properties (such as structural, functional, and spatial information, amino acid conservation, physicochemical variation, residue mobility, and thermodynamic stability) performed at Invitae indicates that this missense variant is not expected to disrupt APC protein function. ClinVar contains an entry for this variant (Variation ID: 862270). This variant has not been reported in the literature in individuals affected with APC-related conditions. This variant is not present in population databases (gnomAD no frequency). This sequence change replaces glutamic acid, which is acidic and polar, with lysine, which is basic and polar, at codon 1020 of the APC protein (p.Glu1020Lys).